The following is an entry in ClinVar:

NM_015295.3(SMCHD1):c.4622T>A (p.Ile1541Asn)

Gene: SMCHD1 (structural maintenance of chromosomes flexible hinge domain containing 1; plus strand). Cytogenetic location: 18p11.32.
Variant type: single nucleotide variant.
Coding change: c.4622T>A on transcript NM_015295.3 (MANE Select); coding-DNA position 4622, T replaced by A.
Protein change: p.Ile1541Asn; replaces isoleucine 1541 with asparagine.
Molecular consequence: missense variant.
Genome position (GRCh38, 1-based): chr18:2,763,692, T>A. VCF-style: chr18-2763692-T-A. GRCh37 (hg19) VCF-style: chr18-2763690-T-A.
Other names: short protein forms I1541N.
Identifiers: ClinVar variation 4743054 (VCV004743054.1).

ClinVar aggregate classification (germline): Uncertain significance (1 of 4 stars; one submission).

Conditions:
Facioscapulohumeral muscular dystrophy 2 (FSHD2). Also called: MUSCULAR DYSTROPHY, FACIOSCAPULOHUMERAL, TYPE 1B; FACIOSCAPULOHUMERAL MUSCULAR DYSTROPHY 2, DIGENIC; FSHD2, DIGENIC. Identifiers: Orphanet 269, MedGen C1834671, MONDO:0008031, OMIM 158901.

Submission:

Labcorp Genetics (formerly Invitae), Labcorp
Classification: Uncertain significance for Facioscapulohumeral muscular dystrophy 2. Last evaluated: 2025-06-03. Review status: criteria provided, single submitter. Criteria: Invitae Variant Classification Sherloc (09022015). Collection method: clinical testing. Allele origin: germline.
Comment: This sequence change replaces isoleucine, which is neutral and non-polar, with asparagine, which is neutral and polar, at codon 1541 of the SMCHD1 protein (p.Ile1541Asn). This variant is not present in population databases (gnomAD no frequency). This variant has not been reported in the literature in individuals affected with SMCHD1-related conditions. Invitae Evidence Modeling of protein sequence and biophysical properties (such as structural, functional, and spatial information, amino acid conservation, physicochemical variation, residue mobility, and thermodynamic stability) indicates that this missense variant is expected to disrupt SMCHD1 protein function with a positive predictive value of 80%. In summary, the available evidence is currently insufficient to determine the role of this variant in disease. Therefore, it has been classified as a Variant of Uncertain Significance.